The following is an entry in ClinVar:

NM_000059.4(BRCA2):c.6640A>G (p.Thr2214Ala)

Gene: BRCA2 (BRCA2 DNA repair associated; plus strand). Cytogenetic location: 13q13.1.
Variant type: single nucleotide variant.
Coding change: c.6640A>G on transcript NM_000059.4 (MANE Select); coding-DNA position 6640, A replaced by G.
Protein change: p.Thr2214Ala; replaces threonine 2214 with alanine.
Molecular consequence: missense variant.
Genome position (GRCh38, 1-based): chr13:32,340,995, A>G. VCF-style: chr13-32340995-A-G. GRCh37 (hg19) VCF-style: chr13-32915132-A-G.
Other names: short protein forms T2214A.
Identifiers: ClinVar variation 381969 (VCV000381969.23), dbSNP rs377200598, ClinGen allele CA16606429.
Genomic context (GRCh38, chr13:32,340,995, plus strand): 5'-ATTGGTAAAACTGAAACTTTTTCTGATGTTCCTGTGAAAACAAATATAGAAGTTTGTTCT[A>G]CTTACTCCAAAGATTCAGAAAACTACTTTGAAACAGAAGCAGTAGAAATTGCTAAAGCTT-3'
Protein context (NP_000050.3, residues 2204-2224): PVKTNIEVCS[Thr2214Ala]YSKDSENYFE

ClinVar aggregate classification (germline): Conflicting classifications of pathogenicity. Review status: criteria provided, conflicting classifications (1 of 4 stars). 5 submissions from 5 submitters: Uncertain significance (2); Likely benign (3). Last evaluated 2026-04-22.

Conditions:
Hereditary cancer-predisposing syndrome. Also called: Hereditary Cancer Syndrome; Tumor predisposition; Hereditary neoplastic syndrome; Neoplastic Syndromes, Hereditary. Identifiers: Orphanet 140162, MedGen C0027672, MeSH D009386, MONDO:0015356.
Hereditary breast ovarian cancer syndrome. Also called: Hereditary breast and ovarian cancer syndrome; Hereditary breast and/or ovarian cancer syndrome; Hereditary breast and ovarian cancer syndrome (HBOC); Hereditary breast and ovarian cancer; Breast and ovarian cancer; BRCA1- and BRCA2-Associated Hereditary Breast and Ovarian Cancer. Identifiers: Orphanet 145, MedGen C0677776, MeSH D061325, MONDO:0003582. Disease mechanism: loss of function.

Allele frequency attached by ClinVar (database versions not stated): gnomAD exomes below 0.00001.
gnomAD v4.1: 2 of 1,612,154 alleles (0.00012%); highest among the groups gnomAD compares: East Asian, 0.0022%; no homozygotes.

Submissions (5):

Ambry Genetics
Classification: Likely benign for Hereditary cancer-predisposing syndrome. Last evaluated: 2026-04-22. Review status: criteria provided, single submitter. Criteria: Ambry Variant Classification Scheme 2023. Collection method: clinical testing. Allele origin: germline.

Labcorp Genetics (formerly Invitae), Labcorp
Classification: Uncertain significance for Hereditary breast ovarian cancer syndrome. Last evaluated: 2025-03-13. Review status: criteria provided, single submitter. Criteria: Invitae Variant Classification Sherloc (09022015). Collection method: clinical testing. Allele origin: germline.
Comment: This sequence change replaces threonine, which is neutral and polar, with alanine, which is neutral and non-polar, at codon 2214 of the BRCA2 protein (p.Thr2214Ala). This variant is not present in population databases (gnomAD no frequency). This variant has not been reported in the literature in individuals affected with BRCA2-related conditions. ClinVar contains an entry for this variant (Variation ID: 381969). Invitae Evidence Modeling of protein sequence and biophysical properties (such as structural, functional, and spatial information, amino acid conservation, physicochemical variation, residue mobility, and thermodynamic stability) indicates that this missense variant is not expected to disrupt BRCA2 protein function with a negative predictive value of 95%. In summary, the available evidence is currently insufficient to determine the role of this variant in disease. Therefore, it has been classified as a Variant of Uncertain Significance.

Color Diagnostics, LLC DBA Color Health
Classification: Uncertain significance for Hereditary cancer-predisposing syndrome. Last evaluated: 2024-01-08. Review status: criteria provided, single submitter. Criteria: ACMG Guidelines, 2015. Collection method: clinical testing. Allele origin: germline.
Comment: This missense variant replaces threonine with alanine at codon 2214 of the BRCA2 protein. Computational prediction suggests that this variant may not impact protein structure and function. To our knowledge, functional studies have not been reported for this variant. In a large breast cancer case-control meta-analysis, this variant was reported in 1/60466 cases and 1/53461 unaffected controls (PMID: 33471991; Leiden Open Variation Database DB-ID BRCA2_001245). This variant has also been reported in a multifactorial analysis with tumor pathology, co-occurrence and family history likelihood ratios for pathogenicity of 1.07, 1.0246 and 0.767, respectively (PMID: 31131967). This variant has not been identified in the general population by the Genome Aggregation Database (gnomAD). The available evidence is insufficient to determine the role of this variant in disease conclusively. Therefore, this variant is classified as a Variant of Uncertain Significance.

University of Washington Department of Laboratory Medicine, University of Washington
Classification: Likely benign for Hereditary cancer-predisposing syndrome. Last evaluated: 2023-03-23. Review status: criteria provided, single submitter. Criteria: Dines et al. (Genet Med. 2020). Collection method: curation. Allele origin: germline.
Comment: Missense variant in a coldspot region where missense variants are very unlikely to be pathogenic (PMID:31911673).

BRCA2 exon 11 coldspot. Reclassification based on statistical prior probability.

GeneDx
Classification: Likely benign. Last evaluated: 2018-05-09. Review status: criteria provided, single submitter. Criteria: GeneDx Variant Classification Process June 2021. Collection method: clinical testing. Allele origin: germline. Affected: yes.

Literature cited by the submitters: PubMed 31131967 (cited by Color Diagnostics, LLC DBA Color Health); PubMed 33471991 (cited by Color Diagnostics, LLC DBA Color Health).